The following is an entry in ClinVar:

NM_138387.4(G6PC3):c.821G>A (p.Arg274His)

Gene: G6PC3 (glucose-6-phosphatase catalytic subunit 3; plus strand). Cytogenetic location: 17q21.31.
Variant type: single nucleotide variant.
Coding change: c.821G>A on transcript NM_138387.4 (MANE Select); coding-DNA position 821, G replaced by A.
Protein change: p.Arg274His; replaces arginine 274 with histidine.
Molecular consequence: missense variant. On other transcripts: 3 prime UTR variant (1).
Genome position (GRCh38, 1-based): chr17:44,075,823, G>A. VCF-style: chr17-44075823-G-A. GRCh37 (hg19) VCF-style: chr17-42153191-G-A.
Other names: c.*114G>A (NM_001319945.2); c.476G>A, p.Arg159His (NM_001384165.1, NM_001384166.1, NM_001384167.1 and 1 more transcripts); short protein forms R274H, R159H.
Identifiers: ClinVar variation 571605 (VCV000571605.8), dbSNP rs773183765, ClinGen allele CA8596156.

ClinVar aggregate classification (germline): Uncertain significance. Review status: criteria provided, multiple submitters, no conflicts (2 of 4 stars). 2 submissions from 2 submitters: Uncertain significance (2). Last evaluated 2025-05-03.

Conditions:
Autosomal recessive severe congenital neutropenia due to G6PC3 deficiency. Also called: NEUTROPENIA, SEVERE CONGENITAL, 4, AUTOSOMAL RECESSIVE; G6PC3 Deficiency. Identifiers: Orphanet 331176, MedGen C2751630, MONDO:0012930, OMIM 612541.
Inborn genetic diseases. Identifiers: MedGen C0950123, MeSH D030342.

Allele frequency attached by ClinVar (database versions not stated): gnomAD 0.00001; TOPMed 0.00001; gnomAD exomes 0.00001; ExAC 0.00001.
gnomAD v4.1: 9 of 1,611,504 alleles (0.00056%); highest among the groups gnomAD compares: Non-Finnish European, 0.00076%; no homozygotes.

Submissions (2):

Ambry Genetics
Classification: Uncertain significance for Inborn genetic diseases. Last evaluated: 2025-05-03. Review status: criteria provided, single submitter. Criteria: Ambry Variant Classification Scheme 2023. Collection method: clinical testing. Allele origin: germline.
Comment: The p.R274H variant (also known as c.821G>A), located in coding exon 6 of the G6PC3 gene, results from a G to A substitution at nucleotide position 821. The arginine at codon 274 is replaced by histidine, an amino acid with highly similar properties. This amino acid position is conserved. In addition, the in silico prediction for this alteration is inconclusive. Based on the available evidence, the clinical significance of this variant remains unclear.

Labcorp Genetics (formerly Invitae), Labcorp
Classification: Uncertain significance for Autosomal recessive severe congenital neutropenia due to G6PC3 deficiency. Last evaluated: 2025-02-03. Review status: criteria provided, single submitter. Criteria: Invitae Variant Classification Sherloc (09022015). Collection method: clinical testing. Allele origin: germline.
Comment: This sequence change replaces arginine, which is basic and polar, with histidine, which is basic and polar, at codon 274 of the G6PC3 protein (p.Arg274His). The frequency data for this variant in the population databases is considered unreliable, as metrics indicate poor data quality at this position in the gnomAD database. This variant has not been reported in the literature in individuals affected with G6PC3-related conditions. ClinVar contains an entry for this variant (Variation ID: 571605). Invitae Evidence Modeling of protein sequence and biophysical properties (such as structural, functional, and spatial information, amino acid conservation, physicochemical variation, residue mobility, and thermodynamic stability) has been performed for this missense variant. However, the output from this modeling did not meet the statistical confidence thresholds required to predict the impact of this variant on G6PC3 protein function. In summary, the available evidence is currently insufficient to determine the role of this variant in disease. Therefore, it has been classified as a Variant of Uncertain Significance.